The following is an entry in ClinVar:

NM_001036.6(RYR3):c.12030C>A (p.Arg4010=)

Gene: RYR3 (ryanodine receptor 3; plus strand). Cytogenetic location: 15q14.
Variant type: single nucleotide variant.
Coding change: c.12030C>A on transcript NM_001036.6 (MANE Select); coding-DNA position 12030, C replaced by A.
Protein change: p.Arg4010=; no amino-acid change (arginine 4010 retained).
Molecular consequence: synonymous variant.
Genome position (GRCh38, 1-based): chr15:33,838,010, C>A. VCF-style: chr15-33838010-C-A. GRCh37 (hg19) VCF-style: chr15-34130211-C-A.
Other names: c.12015C>A, p.Arg4005= (NM_001243996.4); c.12030C>A (NM_001036.4).
Identifiers: ClinVar variation 1094704 (VCV001094704.11), dbSNP rs780189239, ClinGen allele CA268592263.

ClinVar aggregate classification (germline): Likely benign. Review status: criteria provided, single submitter (1 of 4 stars). 2 submissions from 2 submitters: Likely benign (1). 1 of the submissions does not count toward it. Last evaluated 2019-01-29.

Conditions:
RYR3-related disorder. Also called: RYR3-related condition.
Epileptic encephalopathy. Identifiers: MedGen C0543888, HP:0200134.

Allele frequency attached by ClinVar (database versions not stated): gnomAD exomes 0.00001 and 0.00003; gnomAD 0.00003; TOPMed 0.00004.
gnomAD v4.1: 48 of 1,613,870 alleles (0.003%); highest among the groups gnomAD compares: Non-Finnish European, 0.0034%; no homozygotes.

Submissions (2):

Labcorp Genetics (formerly Invitae), Labcorp
Classification: Likely benign for Epileptic encephalopathy. Last evaluated: 2019-01-29. Review status: criteria provided, single submitter. Criteria: Invitae Variant Classification Sherloc (09022015). Collection method: clinical testing. Allele origin: germline.

PreventionGenetics, part of Exact Sciences
Classification: Likely benign for RYR3-related condition. Last evaluated: 2019-03-15. Review status: no assertion criteria provided. Collection method: clinical testing. Allele origin: germline. Not counted in ClinVar's aggregate classification.
Comment: This variant is classified as likely benign based on ACMG/AMP sequence variant interpretation guidelines (Richards et al. 2015 PMID: 25741868, with internal and published modifications).